The following is an entry in ClinVar:

ClinVar aggregate classification (germline): Uncertain significance (1 of 4 stars; one submission).

Submission:

GeneDx
Classification: Uncertain significance. Last evaluated: 2023-05-05. Review status: criteria provided, single submitter. Criteria: GeneDx Variant Classification Process June 2021. Collection method: clinical testing. Allele origin: germline. Affected: yes.
Comment: Not observed in large population cohorts (gnomAD); In silico analysis supports that this missense variant has a deleterious effect on protein structure/function; Has not been previously published as pathogenic or benign to our knowledge

NM_004525.3(LRP2):c.8191G>C (p.Glu2731Gln)

Gene: LRP2 (LDL receptor related protein 2; minus strand). Cytogenetic location: 2q31.1.
Variant type: single nucleotide variant.
Coding change: c.8191G>C on transcript NM_004525.3 (MANE Select); coding-DNA position 8191, G replaced by C.
Protein change: p.Glu2731Gln; replaces glutamic acid 2731 with glutamine.
Molecular consequence: missense variant.
Genome position (GRCh38, 1-based): chr2:169,202,774, C>G on the plus strand (G>C on the coding strand, the complement: LRP2 is on the minus strand). VCF-style: chr2-169202774-C-G. GRCh37 (hg19) VCF-style: chr2-170059284-C-G.
Other names: short protein forms E2731Q.
Identifiers: ClinVar variation 1303729 (VCV001303729.3), dbSNP rs2105327399, ClinGen allele CA349165977.